The following is an entry in ClinVar:

NM_018136.5(ASPM):c.1353dup (p.Glu452Ter)

Gene: ASPM (assembly factor for spindle microtubules; minus strand). Cytogenetic location: 1q31.3.
Variant type: Duplication.
Coding change: c.1353dup on transcript NM_018136.5 (MANE Select); coding-DNA position 1353, one base duplicated (T; older notation c.1353dupT).
Protein change: p.Glu452Ter; replaces glutamic acid 452 with a stop codon.
Molecular consequence: nonsense.
Genome position (GRCh38, 1-based): chr1:197,142,899, A duplicated on the plus strand (T on the coding strand, the reverse complement: ASPM is on the minus strand); the first of 5 consecutive A bases (chr1:197,142,899-197,142,903); duplicating any one gives the same sequence. VCF-style (leftmost placement, unchanged base first): chr1-197142898-C-CA. GRCh37 (hg19) VCF-style: chr1-197112028-C-CA.
Other names: c.1353dup, p.Glu452Ter (NM_001206846.2); short protein forms E452*.
Identifiers: ClinVar variation 279693 (VCV000279693.1), dbSNP rs774814318, ClinGen allele CA10602751.

ClinVar aggregate classification (germline): Pathogenic (1 of 4 stars; one submission).

Allele frequency attached by ClinVar (database versions not stated): gnomAD exomes 0.00002; TOPMed 0.00001; gnomAD 0.00001; ExAC 0.00002.

Submission:

GeneDx
Classification: Pathogenic. Last evaluated: 2016-04-26. Review status: criteria provided, single submitter. Criteria: GeneDx Variant Classification (06012015). Collection method: clinical testing. Allele origin: germline. Affected: yes.
Comment: The c.1353dupT pathogenic variant in the ASPM gene causes a frameshift starting with codon Glutamic acid 452 and changes this amino acid to a premature Stop codon, denoted p.Glu452Ter. This variant is predicted to cause loss of normal protein function either through protein truncation or nonsense-mediated mRNA decay.